The following is an entry in ClinVar:

NM_001346810.2(DLGAP2):c.1937G>A (p.Arg646His)

Gene: DLGAP2 (DLG associated protein 2; plus strand). Cytogenetic location: 8p23.3.
Variant type: single nucleotide variant.
Coding change: c.1937G>A on transcript NM_001346810.2 (MANE Select); coding-DNA position 1937, G replaced by A.
Protein change: p.Arg646His; replaces arginine 646 with histidine.
Molecular consequence: missense variant.
Genome position (GRCh38, 1-based): chr8:1,668,455, G>A. VCF-style: chr8-1668455-G-A. GRCh37 (hg19) VCF-style: chr8-1616621-G-A.
Other names: short protein forms R646H.
Identifiers: ClinVar variation 3046170 (VCV003046170.2), dbSNP rs200214556, ClinGen allele CA4598668.

ClinVar aggregate classification (germline): Likely benign (0 of 4 stars; one submission).

Conditions:
DLGAP2-related disorder. Also called: DLGAP2-related condition.

Allele frequency attached by ClinVar (database versions not stated): gnomAD exomes 0.00021; ExAC 0.00044; 1000 Genomes Project 0.00060; 1000 Genomes Project 30x 0.00062; ESP Exome Variant Server 0.00096; gnomAD 0.00096; TOPMed 0.00110.
gnomAD v4.1: 444 of 1,595,930 alleles (0.028%); highest among the groups gnomAD compares: African/African-American, 0.36%; 2 homozygotes.

Submission:

PreventionGenetics, part of Exact Sciences
Classification: Likely benign for DLGAP2-related condition. Last evaluated: 2022-08-10. Review status: no assertion criteria provided. Collection method: clinical testing. Allele origin: germline.
Comment: This variant is classified as likely benign based on ACMG/AMP sequence variant interpretation guidelines (Richards et al. 2015 PMID: 25741868, with internal and published modifications).